The following continues an entry in ClinVar:

NM_002834.5(PTPN11):c.1403C>T (p.Thr468Met)

Gene: PTPN11. ClinVar aggregate classification (germline): Pathogenic. Pathogenic (1).

Submissions 26 to 37 of 52:

Women's Health and Genetics/Laboratory Corporation of America, LabCorp
Classification: Pathogenic for Noonan syndrome with multiple lentigines. Last evaluated: 2021-01-21. Review status: criteria provided, single submitter. Criteria: LabCorp Variant Classification Summary - May 2015. Collection method: clinical testing. Allele origin: germline. Not counted in ClinVar's aggregate classification.
Comment: Variant summary: PTPN11 c.1403C>T (p.Thr468Met) results in a non-conservative amino acid change located in the Protein-tyrosine phosphatase, catalytic domain of the encoded protein sequence. Five of five in-silico tools predict a damaging effect of the variant on protein function. The variant allele was found at a frequency of 4e-06 in 251186 control chromosomes (gnomAD). c.1403C>T has been reported in the literature in multiple individuals affected with Noonan Syndrome/Leopard Syndrome (e.g. Digilio_2002, Zenker_2004, Carcavilla_2013, Athota_2020). These data indicate that the variant is very likely to be associated with disease. Experimental evidence evaluating an impact on protein function demonstrated the variant to be catalytically defective, affecting SHP2 phosphatase activity and inducing a weakening of the intramolecular interaction between the N-SH2 and PTP domains, leading to a mutant protein that is more readily activated (e.g. Kontaridis_2006, Yu_2014). Eighteen ClinVar submitters including an expert panel (ClinGen RASopathy Variant Curation Expert Panel) (evaluation after 2014) cite the variant as pathogenic/likely pathogenic. Based on the evidence outlined above, the variant was classified as pathogenic.

Genome Diagnostics Laboratory, The Hospital for Sick Children
Classification: Pathogenic for Noonan syndrome and Noonan-related syndrome. Last evaluated: 2020-12-21. Review status: criteria provided, single submitter. Criteria: ACMG Guidelines, 2015. Collection method: clinical testing. Allele origin: germline. Affected: yes. Not counted in ClinVar's aggregate classification.

Laboratory for Molecular Medicine, Mass General Brigham Personalized Medicine
Classification: Pathogenic for Noonan syndrome with multiple lentigines. Last evaluated: 2020-03-12. Review status: criteria provided, single submitter. Criteria: ACMG Guidelines, 2015. Collection method: clinical testing. Allele origin: germline. Inheritance: Autosomal dominant inheritance. Not counted in ClinVar's aggregate classification.
Comment: The p.Thr468Met variant in PTPN11 has been reported in >30 probands with clinical features of Noonan syndrome with multiple lentigines (Digilio 2002, Keren 2004, Tartaglia 2006, Cesarini 2009). It has also been shown to segregate with disease in 5 affected relatives (Digilio 2002, Keren 2004, Writzl 2007). It was absent from large population studies. In vitro functional studies and animal models in zebrafish provide some evidence that the p.Thr468Met variant may impact protein function (Stewart 2010). In summary, this variant meets criteria to be classified as pathogenic for Noonan syndrome with multiple lentigines in an autosomal dominant manner based upon segregation studies, absence from controls, and functional evidence.

Broad Center for Mendelian Genomics, Broad Institute of MIT and Harvard
Classification: Pathogenic for Noonan syndrome 1. Last evaluated: 2018-12-03. Review status: criteria provided, single submitter. Criteria: ACMG Guidelines, 2015. Collection method: research. Allele origin: germline. Inheritance: Autosomal dominant inheritance. Affected: yes. Not counted in ClinVar's aggregate classification.
Comment: The heterozygous p.Thr468Met variant in PTPN11 was identified by our study in two unrelated individuals with Noonan syndrome. This variant has been identified in 0.004484% (1/22300) of European (Finnish) chromosomes by the Genome Aggregation Database (gnomAD; dbSNP rs121918457). Please note that for diseases with clinical variability, or reduced penetrance, pathogenic variants may be present at a low frequency in the general population. Although this variant has been seen in the general population, its frequency is low enough to be consistent with a rare disease sometimes diagnosed in adulthood. Computational prediction tools and conservation analyses suggest that this variant may impact the protein, though this information is not predictive enough to determine pathogenicity. The PTPN11 gene has a low rate of benign missense variation, raising the possibility that a change in this gene may not be tolerated. This variant has been reported as pathogenic in ClinVar (Variation ID: 13331). The p.Thr468Met variant in PTPN11 has been reported in 12 individuals with Noonan syndrome in the literature (PMID: 28681392, 27659786, 27238887, 12058348, 24767283). In summary, the p.Thr468Met variant is pathogenic based off of our findings, multiple de novo reports in ClinVar, and the literature. ACMG/AMP Criteria applied: PM2, PM6_Strong, PP1_Strong, PP2, PP3 (Richards 2015).

Agnes Ginges Centre for Molecular Cardiology, Centenary Institute
Classification: Pathogenic for Hypertrophic cardiomyopathy. Last evaluated: 2017-07-28. Review status: criteria provided, single submitter. Criteria: ACMG Guidelines, 2015. Collection method: research. Allele origin: germline. Affected: yes. Not counted in ClinVar's aggregate classification.
Comment: The PTPN11 Thr468Met variant has been reported in over 50 probands affected with LEOPARD syndrome and other Noonan spectrum disorders, including at least 4 de novo events and has been found to segregate in multiple families (see literature). The variant is present at a low frequency in the Exome Aggregation Consortium dataset (MAF= 0.000008). Computational tools SIFT, MutationTaster and PolyPhen2 predict this variant to be deleterious. Functional studies suggest that the variant results in reduced catalytic function (see literature). In summary, based on identification of the variant in multiple affected probands, the occurence of affected de novo individuals, functional studies displaying an affect on the protein function, segregation of the variant in affected family members, in silico tools in support of a deleterious affect and because missense variants in PTPN11 are a known mechanism of disease in Rasopathies, we classify PTPN11 Thr468Met as "pathogenic".

Eurofins Ntd Llc (ga)
Classification: Pathogenic. Last evaluated: 2017-07-24. Review status: criteria provided, single submitter. Criteria: EGL Classification Definitions 2015. Collection method: clinical testing. Allele origin: germline. Observed: 1 variant allele, 1 heterozygote. Not counted in ClinVar's aggregate classification.

Institute Of Molecular Biology And Genetics, Federal Almazov National Medical Research Centre
Classification: Pathogenic for Noonan syndrome 1. Last evaluated: 2016-11-16. Review status: criteria provided, single submitter. Criteria: ACMG Guidelines, 2015. Collection method: research. Allele origin: germline. Inheritance: Autosomal dominant inheritance. Affected: yes. Not counted in ClinVar's aggregate classification.

Institute Of Molecular Biology And Genetics, Federal Almazov National Medical Research Centre
Classification: Pathogenic for LEOPARD syndrome 1. Last evaluated: 2016-06-14. Review status: criteria provided, single submitter. Criteria: ACMG Guidelines, 2015. Collection method: research. Allele origin: germline. Inheritance: Autosomal dominant inheritance. Affected: yes. Not counted in ClinVar's aggregate classification.

Molecular Diagnostics Lab, Nemours Children's Health, Delaware
Classification: Likely pathogenic. Last evaluated: 2015-10-01. Review status: criteria provided, single submitter. Criteria: ACMG Guidelines, 2015. Collection method: clinical testing. Allele origin: unknown. Affected: yes. Observed: 1 variant allele. Not counted in ClinVar's aggregate classification.

Center for Genomics, Ann and Robert H. Lurie Children's Hospital of Chicago
Classification: Pathogenic for Noonan syndrome 1; LEOPARD syndrome 1; Metachondromatosis; Juvenile myelomonocytic leukemia. Review status: criteria provided, single submitter. Criteria: ACMG Guidelines, 2015. Collection method: clinical testing. Allele origin: germline. Not counted in ClinVar's aggregate classification.
Comment: PTPN11 NM_002834.4 exon 12 p.Thr468Met (c.1403C>T): This variant has been reported in the literature in several individuals with Noonan syndrome with multiple lentigines and other RASopathies; it has been seen both as a de novo variant and as segregating with disease in multiple affected family members (Digilio 2002 PMID:12058348, Keren 2004 PMID:15520399, Writzl 2007 PMID:17935252, Lin 2009 PMID:19864201, Hansen 2009 PMID:19174044, Santoro 2014 PMID:24767284, Spatola 2015 PMID:25884655, Chinton 2019 PMID:31560489, Athota 2020 PMID:32164556). This variant is present in 0.009% (1/10440) of Finnish alleles in the Genome Aggregation Database. Please note, disease causing variants may be present in control databases at low frequencies, reflective of the general population, carrier status, and/or variable expressivity. This variant is also present in ClinVar, with several labs classifying this variant as pathogenic (Variation ID:13331). Evolutionary conservation and computational predictive tools suggest that this variant may impact the protein. In addition, functional studies have shown a deleterious effect of this variant (Hanna 2006 PMID:16638574, Kontaridis 2006 PMID:16377799, Martinelli 2008 PMID:18372317, Oishi 2009 PMID:18849586, Yu 2013 PMID:23457302). However, these studies may not accurately represent in vivo biological function. In summary, this variant is classified as pathogenic based on the data above.

Clinical Genetics Service, Universitary Hospital 12 de Octubre
Classification: Pathogenic for Noonan syndrome 1. Review status: criteria provided, single submitter. Criteria: ACMG Guidelines, 2015. Collection method: clinical testing. Allele origin: germline. Affected: yes. Not counted in ClinVar's aggregate classification.

Department of Pediatrics, The Second Affiliated Hospital of Zhengzhou University
Classification: Pathogenic for Noonan syndrome 1. Review status: criteria provided, single submitter. Criteria: ACMG Guidelines, 2015. Collection method: clinical testing. Allele origin: de novo. Inheritance: Autosomal dominant inheritance. Affected: yes. Not counted in ClinVar's aggregate classification.
Comment: This variant was classified as pathogenic according to ACMG/AMP 2015 guidelines (PMID:25741868), supported by de novo occurrence, established disease association, and location in a mutational hotspot of PTPN11.